The following is an entry in ClinVar:

NM_000245.4(MET):c.2176A>G (p.Ile726Val)

Gene: MET (MET proto-oncogene, receptor tyrosine kinase; plus strand). Cytogenetic location: 7q31.2.
Variant type: single nucleotide variant.
Coding change: c.2176A>G on transcript NM_000245.4 (MANE Select); coding-DNA position 2176, A replaced by G.
Protein change: p.Ile726Val; replaces isoleucine 726 with valine.
Molecular consequence: missense variant.
Genome position (GRCh38, 1-based): chr7:116,758,532, A>G. VCF-style: chr7-116758532-A-G. GRCh37 (hg19) VCF-style: chr7-116398586-A-G.
Other names: c.2176A>G, p.Ile726Val (NM_001127500.3, NM_001324401.3); c.886A>G, p.Ile296Val (NM_001324402.2); short protein forms I726V, I296V.
Identifiers: ClinVar variation 1365000 (VCV001365000.13), dbSNP rs1794275336, ClinGen allele CA368980633.

ClinVar aggregate classification (germline): Uncertain significance. Review status: criteria provided, multiple submitters, no conflicts (2 of 4 stars). 3 submissions from 3 submitters: Uncertain significance (3). Last evaluated 2024-04-01.

Conditions:
Renal cell carcinoma. Identifiers: Orphanet 217071, MedGen C0007134, MeSH D002292, MONDO:0005086, HP:0005584.
Hereditary cancer-predisposing syndrome. Also called: Neoplastic Syndromes, Hereditary; Tumor predisposition; Hereditary neoplastic syndrome; Hereditary Cancer Syndrome. Identifiers: Orphanet 140162, MedGen C0027672, MeSH D009386, MONDO:0015356.

Allele frequency attached by ClinVar (database versions not stated): TOPMed below 0.00001.

Submissions (3):

Labcorp Genetics (formerly Invitae), Labcorp
Classification: Uncertain significance for Renal cell carcinoma. Last evaluated: 2024-04-01. Review status: criteria provided, single submitter. Criteria: Invitae Variant Classification Sherloc (09022015). Collection method: clinical testing. Allele origin: germline.
Comment: This sequence change replaces isoleucine, which is neutral and non-polar, with valine, which is neutral and non-polar, at codon 726 of the MET protein (p.Ile726Val). This variant is not present in population databases (gnomAD no frequency). This variant has not been reported in the literature in individuals affected with MET-related conditions. ClinVar contains an entry for this variant (Variation ID: 1365000). Advanced modeling of protein sequence and biophysical properties (such as structural, functional, and spatial information, amino acid conservation, physicochemical variation, residue mobility, and thermodynamic stability) performed at Invitae indicates that this missense variant is not expected to disrupt MET protein function with a negative predictive value of 80%. In summary, the available evidence is currently insufficient to determine the role of this variant in disease. Therefore, it has been classified as a Variant of Uncertain Significance.

Ambry Genetics
Classification: Uncertain significance for Hereditary cancer-predisposing syndrome. Last evaluated: 2023-08-19. Review status: criteria provided, single submitter. Criteria: Ambry Variant Classification Scheme 2023. Collection method: clinical testing. Allele origin: germline.
Comment: The p.I726V variant (also known as c.2176A>G), located in coding exon 8 of the MET gene, results from an A to G substitution at nucleotide position 2176. The isoleucine at codon 726 is replaced by valine, an amino acid with highly similar properties. This amino acid position is highly conserved in available vertebrate species. In addition, this alteration is predicted to be tolerated by in silico analysis. Since supporting evidence is limited at this time, the clinical significance of this alteration remains unclear.

GeneDx
Classification: Uncertain significance. Last evaluated: 2022-07-25. Review status: criteria provided, single submitter. Criteria: GeneDx Variant Classification Process June 2021. Collection method: clinical testing. Allele origin: germline. Affected: yes.
Comment: Not observed at significant frequency in large population cohorts (gnomAD); In silico analysis supports that this missense variant does not alter protein structure/function; Has not been previously published as pathogenic or benign to our knowledge